The following is an entry in ClinVar:

ClinVar aggregate classification (germline): Uncertain significance (1 of 4 stars; one submission).

Submission:

Ambry Genetics
Classification: Uncertain significance. Last evaluated: 2025-11-07. Review status: criteria provided, single submitter. Criteria: Ambry Variant Classification Scheme 2023. Collection method: clinical testing. Allele origin: germline.
Comment: The p.C761R variant (also known as c.2281T>C), located in coding exon 16 of the CTNNA3 gene, results from a T to C substitution at nucleotide position 2281. The cysteine at codon 761 is replaced by arginine, an amino acid with highly dissimilar properties. This amino acid position is conserved. In addition, the in silico prediction for this alteration is inconclusive. Based on the available evidence, the clinical significance of this variant remains unclear.

NM_013266.4(CTNNA3):c.2281T>C (p.Cys761Arg)

Gene: CTNNA3 (catenin alpha 3; minus strand). Cytogenetic location: 10q21.3.
Variant type: single nucleotide variant.
Coding change: c.2281T>C on transcript NM_013266.4 (MANE Select); coding-DNA position 2281, T replaced by C.
Protein change: p.Cys761Arg; replaces cysteine 761 with arginine.
Molecular consequence: missense variant.
Genome position (GRCh38, 1-based): chr10:65,966,731, A>G on the plus strand (T>C on the coding strand, the complement: CTNNA3 is on the minus strand). VCF-style: chr10-65966731-A-G. GRCh37 (hg19) VCF-style: chr10-67726489-A-G.
Other names: c.2281T>C, p.Cys761Arg (NM_001127384.3); short protein forms C761R.
Identifiers: ClinVar variation 4657494 (VCV004657494.1).